The following is an entry in ClinVar:

NM_000245.4(MET):c.2806G>A (p.Ala936Thr)

Gene: MET (MET proto-oncogene, receptor tyrosine kinase; plus strand). Cytogenetic location: 7q31.2.
Variant type: single nucleotide variant.
Coding change: c.2806G>A on transcript NM_000245.4 (MANE Select); coding-DNA position 2806, G replaced by A.
Protein change: p.Ala936Thr; replaces alanine 936 with threonine.
Molecular consequence: missense variant.
Genome position (GRCh38, 1-based): chr7:116,771,573, G>A. VCF-style: chr7-116771573-G-A. GRCh37 (hg19) VCF-style: chr7-116411627-G-A.
Other names: c.2860G>A, p.Ala954Thr (NM_001127500.3); c.1516G>A, p.Ala506Thr (NM_001324402.2); short protein forms A936T, A954T, A506T.
Identifiers: ClinVar variation 1038742 (VCV001038742.8), dbSNP rs1794834628, ClinGen allele CA368986546.

ClinVar aggregate classification (germline): Uncertain significance (1 of 4 stars; one submission).

Conditions:
Renal cell carcinoma. Identifiers: Orphanet 217071, MedGen C0007134, MeSH D002292, MONDO:0005086, HP:0005584.

gnomAD v4.1: 3 of 1,613,872 alleles (0.00019%); highest among the groups gnomAD compares: Non-Finnish European, 0.00017%; no homozygotes.

Submission:

Labcorp Genetics (formerly Invitae), Labcorp
Classification: Uncertain significance for Renal cell carcinoma. Last evaluated: 2022-08-08. Review status: criteria provided, single submitter. Criteria: Invitae Variant Classification Sherloc (09022015). Collection method: clinical testing. Allele origin: germline.
Comment: In summary, the available evidence is currently insufficient to determine the role of this variant in disease. Therefore, it has been classified as a Variant of Uncertain Significance. Algorithms developed to predict the effect of missense changes on protein structure and function (SIFT, PolyPhen-2, Align-GVGD) all suggest that this variant is likely to be tolerated. ClinVar contains an entry for this variant (Variation ID: 1038742). This variant has not been reported in the literature in individuals affected with MET-related conditions. This variant is not present in population databases (gnomAD no frequency). This sequence change replaces alanine, which is neutral and non-polar, with threonine, which is neutral and polar, at codon 954 of the MET protein (p.Ala954Thr).